The following is an entry in ClinVar:

ClinVar aggregate classification (germline): Uncertain significance. Review status: criteria provided, multiple submitters, no conflicts (2 of 4 stars). 2 submissions from 2 submitters: Uncertain significance (2). Last evaluated 2026-03-19.

Conditions:
Hereditary cancer-predisposing syndrome. Also called: Tumor predisposition; Neoplastic Syndromes, Hereditary; Hereditary Cancer Syndrome; Hereditary neoplastic syndrome. Identifiers: Orphanet 140162, MedGen C0027672, MeSH D009386, MONDO:0015356.

Submissions (2):

Ambry Genetics
Classification: Uncertain significance for Hereditary cancer-predisposing syndrome. Last evaluated: 2026-03-19. Review status: criteria provided, single submitter. Criteria: Ambry Variant Classification Scheme 2023. Collection method: clinical testing. Allele origin: germline.
Comment: The p.M16V variant (also known as c.46A>G), located in coding exon 1 of the NTHL1 gene, results from an A to G substitution at nucleotide position 46. The methionine at codon 16 is replaced by valine, an amino acid with highly similar properties. This amino acid position is conserved. In addition, this alteration is predicted to be tolerated by in silico analysis. Based on the available evidence, the clinical significance of this variant remains unclear.

Labcorp Genetics (formerly Invitae), Labcorp
Classification: Uncertain significance. Last evaluated: 2023-07-17. Review status: criteria provided, single submitter. Criteria: Invitae Variant Classification Sherloc (09022015). Collection method: clinical testing. Allele origin: germline.
Comment: This sequence change replaces methionine, which is neutral and non-polar, with valine, which is neutral and non-polar, at codon 16 of the NTHL1 protein (p.Met16Val). This variant is not present in population databases (gnomAD no frequency). This variant has not been reported in the literature in individuals affected with NTHL1-related conditions. ClinVar contains an entry for this variant (Variation ID: 1478134). An algorithm developed to predict the effect of missense changes on protein structure and function (PolyPhen-2) suggests that this variant is likely to be tolerated. In summary, the available evidence is currently insufficient to determine the role of this variant in disease. Therefore, it has been classified as a Variant of Uncertain Significance.

NM_002528.7(NTHL1):c.22A>G (p.Met8Val)

Gene: NTHL1 (nth like DNA glycosylase 1; minus strand). Cytogenetic location: 16p13.3.
Variant type: single nucleotide variant.
Coding change: c.22A>G on transcript NM_002528.7 (MANE Select); coding-DNA position 22, A replaced by G.
Protein change: p.Met8Val; replaces methionine 8 with valine.
Molecular consequence: missense variant. On other transcripts: 5 prime UTR variant (1).
Genome position (GRCh38, 1-based): chr16:2,047,802, T>C on the plus strand (A>G on the coding strand, the complement: NTHL1 is on the minus strand). VCF-style: chr16-2047802-T-C. GRCh37 (hg19) VCF-style: chr16-2097803-T-C.
Other names: c.22A>G, p.Met8Val (NM_001318193.2); c.-157A>G (NM_001318194.2); c.46A>G (NM_002528.5); short protein forms M8V.
Identifiers: ClinVar variation 1478134 (VCV001478134.7), dbSNP rs1596228289, ClinGen allele CA394298614.
Genomic context (GRCh38, chr16:2,047,802, plus strand): 5'-GCTCCTCCCTACACCCCCGCGGCCCAGCCCCGGGTCCCAGGCTCCGGCTCCGGGTCAGCA[T>C]CCTCGCGCTCAAGGCGGTCATGCCGGACTCCTGCGGACTACACATCCCGGCGGCCCATGC-3'
Protein context (NP_002519.2, residues 1-18): MTALSAR[Met8Val]LTRSRSLGPG